The following is an entry in ClinVar:

NM_000051.4(ATM):c.5131A>G (p.Thr1711Ala)

Gene: ATM (ATM serine/threonine kinase; plus strand). Cytogenetic location: 11q22.3.
Variant type: single nucleotide variant.
Coding change: c.5131A>G on transcript NM_000051.4 (MANE Select); coding-DNA position 5131, A replaced by G.
Protein change: p.Thr1711Ala; replaces threonine 1711 with alanine.
Molecular consequence: missense variant.
Genome position (GRCh38, 1-based): chr11:108,299,839, A>G. VCF-style: chr11-108299839-A-G. GRCh37 (hg19) VCF-style: chr11-108170566-A-G.
Other names: c.5131A>G, p.Thr1711Ala (NM_001351834.2); short protein forms T1711A.
Identifiers: ClinVar variation 2787724 (VCV002787724.4), dbSNP rs2135891762, ClinGen allele CA382540920.

ClinVar aggregate classification (germline): Uncertain significance. Review status: criteria provided, multiple submitters, no conflicts (2 of 4 stars). 2 submissions from 2 submitters: Uncertain significance (2). Last evaluated 2025-11-08.

Conditions:
Ataxia-telangiectasia syndrome (AT). Also called: Cerebello-oculocutaneous telangiectasia; Immunodeficiency with ataxia telangiectasia; Ataxia-telangiectasia, complementation group E; Ataxia telangiectasia (A-T); LOUIS-BAR SYNDROME; ATAXIA-TELANGIECTASIA, COMPLEMENTATION GROUP A. Identifiers: Orphanet 100, MedGen C0004135, MONDO:0008840, OMIM 208900.
Hereditary cancer-predisposing syndrome. Also called: Hereditary Cancer Syndrome; Hereditary neoplastic syndrome; Tumor predisposition; Neoplastic Syndromes, Hereditary. Identifiers: Orphanet 140162, MedGen C0027672, MeSH D009386, MONDO:0015356.

Allele frequency attached by ClinVar (database versions not stated): gnomAD exomes below 0.00001.

Submissions (2):

Ambry Genetics
Classification: Uncertain significance for Hereditary cancer-predisposing syndrome. Last evaluated: 2025-11-08. Review status: criteria provided, single submitter. Criteria: Ambry Variant Classification Scheme 2023. Collection method: clinical testing. Allele origin: germline.
Comment: The p.T1711A variant (also known as c.5131A>G), located in coding exon 33 of the ATM gene, results from an A to G substitution at nucleotide position 5131. The threonine at codon 1711 is replaced by alanine, an amino acid with similar properties. This amino acid position is conserved. In addition, this alteration is predicted to be tolerated by in silico analysis. Based on the available evidence, the clinical significance of this variant remains unclear.

Labcorp Genetics (formerly Invitae), Labcorp
Classification: Uncertain significance for Ataxia-telangiectasia syndrome. Last evaluated: 2024-12-04. Review status: criteria provided, single submitter. Criteria: Invitae Variant Classification Sherloc (09022015). Collection method: clinical testing. Allele origin: germline.
Comment: This sequence change replaces threonine, which is neutral and polar, with alanine, which is neutral and non-polar, at codon 1711 of the ATM protein (p.Thr1711Ala). This variant is not present in population databases (gnomAD no frequency). This variant has not been reported in the literature in individuals affected with ATM-related conditions. ClinVar contains an entry for this variant (Variation ID: 2787724). Invitae Evidence Modeling of protein sequence and biophysical properties (such as structural, functional, and spatial information, amino acid conservation, physicochemical variation, residue mobility, and thermodynamic stability) indicates that this missense variant is not expected to disrupt ATM protein function with a negative predictive value of 95%. In summary, the available evidence is currently insufficient to determine the role of this variant in disease. Therefore, it has been classified as a Variant of Uncertain Significance.